The following is an entry in ClinVar:

ClinVar aggregate classification (germline): Benign/Likely benign. Review status: criteria provided, multiple submitters, no conflicts (2 of 4 stars). 2 submissions from 2 submitters: Benign (1); Likely benign (1). Last evaluated 2026-01-12.

Allele frequency attached by ClinVar (database versions not stated): ExAC 0.00029; ESP Exome Variant Server 0.00092; gnomAD 0.00099; TOPMed 0.00110; 1000 Genomes Project 30x 0.00141; 1000 Genomes Project 0.00160.
gnomAD v4.1: 312 of 1,614,186 alleles (0.019%); highest among the groups gnomAD compares: African/African-American, 0.39%; 1 homozygote.

Submissions (2):

Labcorp Genetics (formerly Invitae), Labcorp
Classification: Benign. Last evaluated: 2026-01-12. Review status: criteria provided, single submitter. Criteria: Invitae Variant Classification Sherloc (09022015). Collection method: clinical testing. Allele origin: germline.

CeGaT Center for Human Genetics Tuebingen
Classification: Likely benign. Last evaluated: 2025-08-01. Review status: criteria provided, single submitter. Criteria: CeGaT Center For Human Genetics Tuebingen Variant Classification Criteria Version 2. Collection method: clinical testing. Allele origin: germline. Affected: yes. Observed: 1 variant allele.
Comment: FAT2: BP4, BP7

NM_001447.3(FAT2):c.8637C>T (p.Asp2879=)

Genes: FAT2 (FAT atypical cadherin 2; minus strand), SLC36A1 (solute carrier family 36 member 1; plus strand). Cytogenetic location: 5q33.1.
Variant type: single nucleotide variant.
Coding change: c.8637C>T on transcript NM_001447.3 (MANE Select); coding-DNA position 8637, C replaced by T.
Protein change: p.Asp2879=; no amino-acid change (aspartic acid 2879 retained).
Molecular consequence: synonymous variant.
Genome position (GRCh38, 1-based): chr5:151,542,490, G>A on the plus strand (C>T on the coding strand, the complement: FAT2 is on the minus strand). VCF-style: chr5-151542490-G-A. GRCh37 (hg19) VCF-style: chr5-150922051-G-A.
Identifiers: ClinVar variation 2063583 (VCV002063583.12), dbSNP rs61743245, ClinGen allele CA3520779.